The following is an entry in ClinVar:

ClinVar aggregate classification (germline): Pathogenic (1 of 4 stars; one submission).

Conditions:
Spastic paraplegia. Identifiers: MedGen C0037772, HP:0001258.

gnomAD v4.1: 3 of 1,338,424 alleles (0.00022%); highest among the groups gnomAD compares: East Asian, 0.0031%; no homozygotes.

Submission:

Labcorp Genetics (formerly Invitae), Labcorp
Classification: Pathogenic for Spastic paraplegia. Last evaluated: 2024-10-30. Review status: criteria provided, single submitter. Criteria: Invitae Variant Classification Sherloc (09022015). Collection method: clinical testing. Allele origin: germline.
Comment: This sequence change creates a premature translational stop signal (p.Trp16*) in the CYP2U1 gene. It is expected to result in an absent or disrupted protein product. Loss-of-function variants in CYP2U1 are known to be pathogenic (PMID: 23176821, 26936192, 27292318). This variant is not present in population databases (gnomAD no frequency). This premature translational stop signal has been observed in individual(s) with hereditary spastic paraplegia (PMID: 35499206). For these reasons, this variant has been classified as Pathogenic.

Literature cited by the submitters: PubMed 23176821; PubMed 26936192; PubMed 27292318; PubMed 35499206.

NM_183075.3(CYP2U1):c.48G>A (p.Trp16Ter)

Genes: CYP2U1 (cytochrome P450 family 2 subfamily U member 1; plus strand), CYP2U1-AS1 (CYP2U1 and SGMS2 antisense RNA 1; minus strand). Cytogenetic location: 4q25.
Variant type: single nucleotide variant.
Coding change: c.48G>A on transcript NM_183075.3 (MANE Select); coding-DNA position 48, G replaced by A.
Protein change: p.Trp16Ter; replaces tryptophan 16 with a stop codon.
Molecular consequence: nonsense.
Genome position (GRCh38, 1-based): chr4:107,931,691, G>A. VCF-style: chr4-107931691-G-A. GRCh37 (hg19) VCF-style: chr4-108852847-G-A.
Other names: short protein forms W16*.
Identifiers: ClinVar variation 3690830 (VCV003690830.2).